The following is an entry in ClinVar:

NM_001267550.2(TTN):c.99405C>T (p.Tyr33135=)

Genes: TTN (titin; minus strand), TTN-AS1 (TTN antisense RNA 1; plus strand). Cytogenetic location: 2q31.2.
Variant type: single nucleotide variant.
Coding change: c.99405C>T on transcript NM_001267550.2 (MANE Select); coding-DNA position 99405, C replaced by T.
Protein change: p.Tyr33135=; no amino-acid change (tyrosine 33135 retained).
Molecular consequence: synonymous variant.
Genome position (GRCh38, 1-based): chr2:178,537,802, G>A on the plus strand (C>T on the coding strand, the complement: TTN is on the minus strand). VCF-style: chr2-178537802-G-A. GRCh37 (hg19) VCF-style: chr2-179402529-G-A.
Other names: c.94482C>T, p.Tyr31494= (NM_001256850.1); c.72210C>T, p.Tyr24070= (NM_003319.4); c.72585C>T, p.Tyr24195= (NM_133432.3); c.72786C>T, p.Tyr24262= (NM_133437.4); c.91701C>T, p.Tyr30567= (NM_133378.4).
Identifiers: ClinVar variation 178161 (VCV000178161.15), dbSNP rs373722322, ClinGen allele CA181587.
Genomic context (GRCh38, chr2:178,537,802, plus strand): 5'-TGTGCGTCCATCTGAAGACATTTTGTATTTCCGGCTTTGTATGAGCTCTTTACCAAATCT[G>A]TACCATTTAATGTCAGGAAGAGGCCTTCCAACAATCTGGCATGAGAGTTGAGCAGCTTCA-3'
Protein context (NP_001254479.2, residues 33125-33145): VGRPLPDIKW[Tyr33135=]RFGKELIQSR

ClinVar aggregate classification (germline): Likely benign. Review status: criteria provided, multiple submitters, no conflicts (2 of 4 stars). 3 submissions from 3 submitters: Likely benign (3). Last evaluated 2025-04-17.

Conditions:
Dilated cardiomyopathy 1G (CMD1G). Identifiers: Orphanet 154, MedGen C1858763, MONDO:0011400, OMIM 604145.
Autosomal recessive limb-girdle muscular dystrophy type 2J (LGMDR10). Also called: Limb-girdle muscular dystrophy, type 2J; MUSCULAR DYSTROPHY, LIMB-GIRDLE, AUTOSOMAL RECESSIVE 10. Identifiers: Orphanet 140922, MedGen C1837342, MONDO:0012127, OMIM 608807.
Cardiovascular phenotype. Identifiers: MedGen CN230736.

Allele frequency attached by ClinVar (database versions not stated): gnomAD exomes below 0.00001 and 0.00001; ExAC 0.00002; gnomAD 0.00003; TOPMed 0.00004; ESP Exome Variant Server 0.00008.

Submissions (3):

Labcorp Genetics (formerly Invitae), Labcorp
Classification: Likely benign for Dilated cardiomyopathy 1G; Autosomal recessive limb-girdle muscular dystrophy type 2J. Last evaluated: 2025-04-17. Review status: criteria provided, single submitter. Criteria: Invitae Variant Classification Sherloc (09022015). Collection method: clinical testing. Allele origin: germline.

Ambry Genetics
Classification: Likely benign for Cardiovascular phenotype. Last evaluated: 2022-01-05. Review status: criteria provided, single submitter. Criteria: Ambry Variant Classification Scheme 2023. Collection method: clinical testing. Allele origin: germline.

Laboratory for Molecular Medicine, Mass General Brigham Personalized Medicine
Classification: Likely benign. Last evaluated: 2012-03-19. Review status: criteria provided, single submitter. Criteria: LMM Criteria. Collection method: clinical testing. Allele origin: germline. Observed: 1 variant allele.
Comment: p.Tyr30567Tyr in Exon 304 of TTN: This variant is not expected to have clinical significance because it does not alter an amino acid residue, is not located wit hin the splice consensus sequence. It has been identified in 1/6640 European Ame rican chromosomes from a broad population by the NHLBI Exome Sequencing Project.